The following is an entry in ClinVar:

NM_001291088.2(WDR87):c.1946T>G (p.Phe649Cys)

Gene: WDR87 (WD repeat domain 87; minus strand). Cytogenetic location: 19q13.13.
Variant type: single nucleotide variant.
Coding change: c.1946T>G on transcript NM_001291088.2 (MANE Select); coding-DNA position 1946, T replaced by G.
Protein change: p.Phe649Cys; replaces phenylalanine 649 with cysteine.
Molecular consequence: missense variant.
Genome position (GRCh38, 1-based): chr19:37,893,757, A>C on the plus strand (T>G on the coding strand, the complement: WDR87 is on the minus strand). VCF-style: chr19-37893757-A-C. GRCh37 (hg19) VCF-style: chr19-38384397-A-C.
Other names: c.1829T>G, p.Phe610Cys (NM_031951.5); short protein forms F610C, F649C.
Identifiers: ClinVar variation 2571759 (VCV002571759.5), dbSNP rs143790940, ClinGen allele CA9408845.

ClinVar aggregate classification (germline): Benign/Likely benign. Review status: criteria provided, multiple submitters, no conflicts (2 of 4 stars). 2 submissions from 2 submitters: Benign (1); Likely benign (1). Last evaluated 2025-12-25.

Allele frequency attached by ClinVar (database versions not stated): ExAC 0.00124; ESP Exome Variant Server 0.00307; TOPMed 0.00429; gnomAD 0.00380; 1000 Genomes Project 30x 0.00390; gnomAD exomes 0.00039; 1000 Genomes Project 0.00359.

Submissions (2):

Labcorp Genetics (formerly Invitae), Labcorp
Classification: Benign. Last evaluated: 2025-12-25. Review status: criteria provided, single submitter. Criteria: Invitae Variant Classification Sherloc (09022015). Collection method: clinical testing. Allele origin: germline.

GeneDx
Classification: Likely benign. Last evaluated: 2023-07-07. Review status: criteria provided, single submitter. Criteria: GeneDx Variant Classification Process June 2021. Collection method: clinical testing. Allele origin: germline. Affected: yes.
Comment: See Variant Classification Assertion Criteria.